The following is an entry in ClinVar:

NC_012920.1(MT-TI):m.4264G>A

Gene: MT-TI (mitochondrially encoded tRNA isoleucine; plus strand).
Variant type: single nucleotide variant.
Genome position: chrM-4264-G-A.
Identifiers: ClinVar variation 689872 (VCV000689872.1), dbSNP rs1603219385, ClinGen allele CA658475592.

ClinVar aggregate classification (germline): Uncertain significance (1 of 4 stars; one submission).

Conditions:
MELAS syndrome (MELAS). Also called: Juvenile myopathy, encephalopathy, lactic acidosis, stroke. Identifiers: Orphanet 550, MedGen C0162671, MONDO:0010789, OMIM 540000.

Submission:

Wong Mito Lab, Molecular and Human Genetics, Baylor College of Medicine
Classification: Uncertain significance for MELAS syndrome. Last evaluated: 2019-07-12. Review status: criteria provided, single submitter. Criteria: Modified ACMG Guidelines (Unpublished). Collection method: clinical testing. Allele origin: germline.
Comment: The NC_012920.1:m.4264G>A variant in MT-TI gene is interpreted to be a Unknown Significance variant based on the modified ACMG guidelines (unpublished). This variant meets the following evidence codes reported in the guidelines: PM7, PP4, PP6, PP7

Literature cited by the submitters: PubMed 31965079.